The following is an entry in ClinVar:

ClinVar aggregate classification (germline): Uncertain significance (1 of 4 stars; one submission).

Conditions:
Lethal congenital glycogen storage disease of heart. Also called: GLYCOGEN STORAGE DISEASE OF HEART; PHOSPHORYLASE KINASE DEFICIENCY OF HEART. Identifiers: Orphanet 439854, MedGen C1849813, MONDO:0009867, OMIM 261740.

Submission:

Labcorp Genetics (formerly Invitae), Labcorp
Classification: Uncertain significance for Lethal congenital glycogen storage disease of heart. Last evaluated: 2023-10-09. Review status: criteria provided, single submitter. Criteria: Invitae Variant Classification Sherloc (09022015). Collection method: clinical testing. Allele origin: germline.
Comment: This sequence change replaces isoleucine, which is neutral and non-polar, with serine, which is neutral and polar, at codon 446 of the PRKAG2 protein (p.Ile446Ser). This variant is not present in population databases (gnomAD no frequency). This variant has not been reported in the literature in individuals affected with PRKAG2-related conditions. This missense change has been observed to co-occur in individuals with a different variant in PRKAG2 that has been determined to be pathogenic (Invitae), but the significance of this finding is unclear. ClinVar contains an entry for this variant (Variation ID: 465339). Advanced modeling of protein sequence and biophysical properties (such as structural, functional, and spatial information, amino acid conservation, physicochemical variation, residue mobility, and thermodynamic stability) has been performed at Invitae for this missense variant, however the output from this modeling did not meet the statistical confidence thresholds required to predict the impact of this variant on PRKAG2 protein function. In summary, the available evidence is currently insufficient to determine the role of this variant in disease. Therefore, it has been classified as a Variant of Uncertain Significance.

NM_016203.4(PRKAG2):c.1337T>G (p.Ile446Ser)

Gene: PRKAG2 (protein kinase AMP-activated non-catalytic subunit gamma 2; minus strand). Cytogenetic location: 7q36.1.
Variant type: single nucleotide variant.
Coding change: c.1337T>G on transcript NM_016203.4 (MANE Select); coding-DNA position 1337, T replaced by G.
Protein change: p.Ile446Ser; replaces isoleucine 446 with serine.
Molecular consequence: missense variant.
Genome position (GRCh38, 1-based): chr7:151,565,782, A>C on the plus strand (T>G on the coding strand, the complement: PRKAG2 is on the minus strand). VCF-style: chr7-151565782-A-C. GRCh37 (hg19) VCF-style: chr7-151262868-A-C.
Other names: c.1205T>G, p.Ile402Ser (NM_001040633.2); c.962T>G, p.Ile321Ser (NM_001304527.2); c.614T>G, p.Ile205Ser (NM_001304531.2, NM_024429.2); c.965T>G, p.Ile322Ser (NM_001363698.2); short protein forms I446S, I205S, I402S, I322S, I321S.
Identifiers: ClinVar variation 465339 (VCV000465339.8), dbSNP rs1554455087, ClinGen allele CA370070989.
Genomic context (GRCh38, chr7:151,565,782, plus strand): 5'-GACTCATCCACAACAGGCAGAGCTGATATTCGTCTTTCCACAAATATGTTCAAGGCTTTG[A>C]TGATGGGAGTGTCTGGATGTATGAAGGCAATGTTGTGGTACGTTCCTATTCCAAGCTCAT-3'
Protein context (NP_057287.2, residues 436-456): IAFIHPDTPI[Ile446Ser]KALNIFVERR